The following is an entry in ClinVar:

ClinVar aggregate classification (germline): Conflicting classifications of pathogenicity. Review status: criteria provided, conflicting classifications (1 of 4 stars). 16 submissions from 16 submitters: Uncertain significance (1); Benign (6); Likely benign (7). 2 of the submissions do not count toward it. Last evaluated 2026-01-29.

Conditions:
Connective tissue disorder. Also called: Connective tissue disease. Identifiers: MedGen C0009782, MONDO:0003900.
Ehlers-Danlos syndrome (EDS). Identifiers: Orphanet 98249, MedGen C0013720, MONDO:0020066.
Familial thoracic aortic aneurysm and aortic dissection (TAAD). Also called: Thoracic aortic aneurysms and dissections. Identifiers: Orphanet 91387, MedGen C4707243, MONDO:0019625.
Congenital contractural arachnodactyly (CCA). Also called: BEALS SYNDROME; Beals-Hecht syndrome; Arthrogryposis, distal, type 9. Identifiers: Orphanet 115, MedGen C0220668, MONDO:0007363, OMIM 121050.

Allele frequency attached by ClinVar (database versions not stated): 1000 Genomes Project 0.00040; 1000 Genomes Project 30x 0.00047; gnomAD exomes 0.00069 and 0.00133; TOPMed 0.00076; ExAC 0.00077; gnomAD 0.00078 and 0.00081; ESP Exome Variant Server 0.00092.
gnomAD v4.1: 2,077 of 1,613,242 alleles (0.13%); highest among the groups gnomAD compares: Non-Finnish European, 0.16%; 7 homozygotes.

Submissions (16):

Labcorp Genetics (formerly Invitae), Labcorp
Classification: Benign for Congenital contractural arachnodactyly. Last evaluated: 2026-01-29. Review status: criteria provided, single submitter. Criteria: Invitae Variant Classification Sherloc (09022015). Collection method: clinical testing. Allele origin: germline.

CeGaT Center for Human Genetics Tuebingen
Classification: Likely benign. Last evaluated: 2025-07-01. Review status: criteria provided, single submitter. Criteria: CeGaT Center For Human Genetics Tuebingen Variant Classification Criteria Version 2. Collection method: clinical testing. Allele origin: germline. Affected: yes. Observed: 7 variant alleles.
Comment: FBN2: BP4, BP7

ARUP Laboratories, Molecular Genetics and Genomics, ARUP Laboratories
Classification: Benign. Last evaluated: 2025-05-13. Review status: criteria provided, single submitter. Criteria: ARUP Molecular Germline Variant Investigation Process 2024. Collection method: clinical testing. Allele origin: germline.

Blueprint Genetics
Classification: Likely benign. Last evaluated: 2024-10-21. Review status: criteria provided, single submitter. Criteria: ACMG Guidelines, 2015. Collection method: clinical testing. Allele origin: germline.

Mayo Clinic Laboratories, Mayo Clinic
Classification: Likely benign. Last evaluated: 2024-07-18. Review status: criteria provided, single submitter. Criteria: ACMG Guidelines, 2015. Collection method: clinical testing. Allele origin: germline. Observed: 5 variant alleles.
Comment: BS1, BP4, BP7

Women's Health and Genetics/Laboratory Corporation of America, LabCorp
Classification: Benign. Last evaluated: 2023-07-21. Review status: criteria provided, single submitter. Criteria: LabCorp Variant Classification Summary - May 2015. Collection method: clinical testing. Allele origin: germline.

Genome Diagnostics Laboratory, The Hospital for Sick Children
Classification: Benign for Ehlers-Danlos syndrome. Last evaluated: 2020-12-11. Review status: criteria provided, single submitter. Criteria: ACMG Guidelines, 2015. Collection method: clinical testing. Allele origin: germline.

Illumina Laboratory Services, Illumina
Classification: Benign for Congenital contractural arachnodactyly. Last evaluated: 2018-01-12. Review status: criteria provided, single submitter. Criteria: ICSL Variant Classification Criteria 13 December 2019. Collection method: clinical testing. Allele origin: germline.
Comment: This variant was observed in the ICSL laboratory as part of a predisposition screen in an ostensibly healthy population. It had not been previously curated by ICSL or reported in the Human Gene Mutation Database (HGMD: prior to June 1st, 2018), and was therefore a candidate for classification through an automated scoring system. Utilizing variant allele frequency, disease prevalence and penetrance estimates, and inheritance mode, an automated score was calculated to assess if this variant is too frequent to cause the disease. Based on the score and internal cut-off values, a variant classified as benign is not then subjected to further curation. The score for this variant resulted in a classification of benign for this disease.

Clinical Genetics DNA and cytogenetics Diagnostics Lab, Erasmus MC, Erasmus Medical Center
Classification: Likely benign for Congenital contractural arachnodactyly. Last evaluated: 2017-06-28. Review status: criteria provided, single submitter. Criteria: ACGS Guidelines, 2013. Collection method: clinical testing. Allele origin: germline. Affected: yes. Study: VKGL Data-share Consensus.

Eurofins Ntd Llc (ga)
Classification: Uncertain significance. Last evaluated: 2017-01-30. Review status: criteria provided, single submitter. Criteria: EGL Classification Definitions 2015. Collection method: clinical testing. Allele origin: germline. Observed: 2 variant alleles, 2 heterozygotes.

Center for Human Genetics, Inc
Classification: Likely benign for Connective tissue disorder. Last evaluated: 2016-11-01. Review status: criteria provided, single submitter. Criteria: ACMG Guidelines, 2015. Collection method: clinical testing. Allele origin: germline. Affected: yes.

Ambry Genetics
Classification: Likely benign for Familial thoracic aortic aneurysm and aortic dissection. Last evaluated: 2015-10-04. Review status: criteria provided, single submitter. Criteria: Ambry Variant Classification Scheme 2023. Collection method: clinical testing. Allele origin: germline.

GeneDx
Classification: Benign. Last evaluated: 2014-05-14. Review status: criteria provided, single submitter. Criteria: GeneDx Variant Classification (06012015). Collection method: clinical testing. Allele origin: germline. Affected: yes.
Comment: This variant is considered likely benign or benign based on one or more of the following criteria: it is a conservative change, it occurs at a poorly conserved position in the protein, it is predicted to be benign by multiple in silico algorithms, and/or has population frequency not consistent with disease.

PreventionGenetics, part of Exact Sciences
Classification: Likely benign. Review status: criteria provided, single submitter. Criteria: ACMG Guidelines, 2015. Collection method: clinical testing. Allele origin: germline.

Genome Diagnostics Laboratory, Amsterdam University Medical Center
Classification: Benign for Congenital contractural arachnodactyly. Last evaluated: 2015-03-16. Review status: no assertion criteria provided. Criteria: ACGS Guidelines, 2013. Collection method: clinical testing. Allele origin: germline. Affected: yes. Study: VKGL Data-share Consensus. Not counted in ClinVar's aggregate classification.

Genome Diagnostics Laboratory, University Medical Center Utrecht
Classification: Likely benign. Review status: no assertion criteria provided. Collection method: clinical testing. Allele origin: germline. Affected: yes. Study: VKGL Data-share Consensus. Not counted in ClinVar's aggregate classification.

NM_001999.4(FBN2):c.2427T>A (p.Ile809=)

Gene: FBN2 (fibrillin 2; minus strand). Cytogenetic location: 5q23.3.
Variant type: single nucleotide variant.
Coding change: c.2427T>A on transcript NM_001999.4 (MANE Select); coding-DNA position 2427, T replaced by A.
Protein change: p.Ile809=; no amino-acid change (isoleucine 809 retained).
Molecular consequence: synonymous variant.
Genome position (GRCh38, 1-based): chr5:128,364,601, A>T on the plus strand (T>A on the coding strand, the complement: FBN2 is on the minus strand). VCF-style: chr5-128364601-A-T. GRCh37 (hg19) VCF-style: chr5-127700294-A-T.
Other names: p.Ile809=.
Identifiers: ClinVar variation 137319 (VCV000137319.70), dbSNP rs139686090, ClinGen allele CA232481.